The following is an entry in ClinVar:

ClinVar aggregate classification (germline): Likely pathogenic (1 of 4 stars; one submission).

Submission:

GeneDx
Classification: Likely pathogenic. Last evaluated: 2023-11-18. Review status: criteria provided, single submitter. Criteria: GeneDx Variant Classification Process June 2021. Collection method: clinical testing. Allele origin: germline. Affected: yes.
Comment: Not observed at significant frequency in large population cohorts (gnomAD); Missense variants in this gene are a common cause of disease and they are underrepresented in the general population; In silico analysis supports that this missense variant has a deleterious effect on protein structure/function; Has not been previously published as pathogenic or benign to our knowledge

NM_030662.4(MAP2K2):c.368A>C (p.His123Pro)

Gene: MAP2K2 (mitogen-activated protein kinase kinase 2; minus strand). Cytogenetic location: 19p13.3.
Variant type: single nucleotide variant.
Coding change: c.368A>C on transcript NM_030662.4 (MANE Select); coding-DNA position 368, A replaced by C.
Protein change: p.His123Pro; replaces histidine 123 with proline.
Molecular consequence: missense variant.
Genome position (GRCh38, 1-based): chr19:4,110,591, T>G on the plus strand (A>C on the coding strand, the complement: MAP2K2 is on the minus strand). VCF-style: chr19-4110591-T-G. GRCh37 (hg19) VCF-style: chr19-4110589-T-G.
Other names: short protein forms H123P.
Identifiers: ClinVar variation 3364401 (VCV003364401.1).